The following is an entry in ClinVar:

NM_000268.4(NF2):c.70del (p.Thr23_Val24insTer)

Gene: NF2 (NF2, moesin-ezrin-radixin like (MERLIN) tumor suppressor; plus strand). Cytogenetic location: 22q12.2.
Variant type: Deletion.
Coding change: c.70del on transcript NM_000268.4 (MANE Select); coding-DNA position 70, one base deleted (G; older notation c.70delG).
Protein change: p.Thr23_Val24insTer.
Molecular consequence: nonsense. On other transcripts: 5 prime UTR variant (4), non-coding transcript variant (1).
Genome position (GRCh38, 1-based): chr22:29,604,068, G deleted. VCF-style (leftmost placement, unchanged base first): chr22-29604067-CG-C. GRCh37 (hg19) VCF-style: chr22-30000056-CG-C.
Other names: c.-161del (NM_001407053.1, NM_001407056.1); c.70del, p.Thr23_Val24insTer (NM_001407054.1, NM_001407055.1, NM_001407057.1 and 15 more transcripts); c.-571del (NM_001407065.1); c.-187del (NM_001407067.1).
Identifiers: ClinVar variation 3724324 (VCV003724324.2).

ClinVar aggregate classification (germline): Pathogenic (1 of 4 stars; one submission).

Conditions:
Neurofibromatosis, type 2 (SWNV). Also called: BILATERAL ACOUSTIC NEUROFIBROMATOSIS; NF2-Related Schwannomatosis; SCHWANNOMATOSIS, VESTIBULAR. Identifiers: Orphanet 637, MedGen C0027832, MONDO:0007039, OMIM 101000. Disease mechanism: loss of function.

Submission:

Labcorp Genetics (formerly Invitae), Labcorp
Classification: Pathogenic for Neurofibromatosis, type 2. Last evaluated: 2024-12-19. Review status: criteria provided, single submitter. Criteria: Invitae Variant Classification Sherloc (09022015). Collection method: clinical testing. Allele origin: germline.
Comment: This sequence change creates a premature translational stop signal (p.Val24*) in the NF2 gene. It is expected to result in an absent or disrupted protein product. Loss-of-function variants in NF2 are known to be pathogenic (PMID: 9643284, 16983642). This variant is not present in population databases (gnomAD no frequency). This variant has not been reported in the literature in individuals affected with NF2-related conditions. For these reasons, this variant has been classified as Pathogenic.

Literature cited by the submitters: PubMed 9643284; PubMed 16983642.